The following is an entry in ClinVar:

NM_001846.4(COL4A2):c.4466G>A (p.Gly1489Asp)

Genes: COL4A2 (collagen type IV alpha 2 chain; plus strand), COL4A2-AS1 (COL4A2 antisense RNA 1; minus strand). Cytogenetic location: 13q34.
Variant type: single nucleotide variant.
Coding change: c.4466G>A on transcript NM_001846.4 (MANE Select); coding-DNA position 4466, G replaced by A.
Protein change: p.Gly1489Asp; replaces glycine 1489 with aspartic acid.
Molecular consequence: missense variant.
Genome position (GRCh38, 1-based): chr13:110,506,478, G>A. VCF-style: chr13-110506478-G-A. GRCh37 (hg19) VCF-style: chr13-111158825-G-A.
Other names: short protein forms G1489D.
Identifiers: ClinVar variation 1318750 (VCV001318750.5), dbSNP rs1025762255, ClinGen allele CA256311402.

ClinVar aggregate classification (germline): Uncertain significance. Review status: criteria provided, multiple submitters, no conflicts (2 of 4 stars). 2 submissions from 2 submitters: Uncertain significance (2). Last evaluated 2023-05-19.

Allele frequency attached by ClinVar (database versions not stated): gnomAD exomes below 0.00001; TOPMed 0.00001.
gnomAD v4.1: 2 of 1,612,474 alleles (0.00012%); highest among the groups gnomAD compares: Admixed American, 0.0017%; no homozygotes.

Submissions (2):

Labcorp Genetics (formerly Invitae), Labcorp
Classification: Uncertain significance. Last evaluated: 2023-05-19. Review status: criteria provided, single submitter. Criteria: Invitae Variant Classification Sherloc (09022015). Collection method: clinical testing. Allele origin: germline.
Comment: This variant is present in population databases (no rsID available, gnomAD 0.003%). In summary, the available evidence is currently insufficient to determine the role of this variant in disease. Therefore, it has been classified as a Variant of Uncertain Significance. Advanced modeling of protein sequence and biophysical properties (such as structural, functional, and spatial information, amino acid conservation, physicochemical variation, residue mobility, and thermodynamic stability) has been performed at Invitae for this missense variant, however the output from this modeling did not meet the statistical confidence thresholds required to predict the impact of this variant on COL4A2 protein function. ClinVar contains an entry for this variant (Variation ID: 1318750). This variant has not been reported in the literature in individuals affected with COL4A2-related conditions. This sequence change replaces glycine, which is neutral and non-polar, with aspartic acid, which is acidic and polar, at codon 1489 of the COL4A2 protein (p.Gly1489Asp).

GeneDx
Classification: Uncertain significance. Last evaluated: 2020-01-07. Review status: criteria provided, single submitter. Criteria: GeneDx Variant Classification Process June 2021. Collection method: clinical testing. Allele origin: germline. Affected: yes.
Comment: Not observed at a significant frequency in large population cohorts (Lek et al., 2016); In silico analysis, which includes protein predictors and evolutionary conservation, supports a deleterious effect; Has not been previously published as pathogenic or benign to our knowledge